The following is an entry in ClinVar:

NM_003151.4(STAT4):c.1178G>C (p.Gly393Ala)

Gene: STAT4 (signal transducer and activator of transcription 4; minus strand). Cytogenetic location: 2q32.2.
Variant type: single nucleotide variant.
Coding change: c.1178G>C on transcript NM_003151.4 (MANE Select); coding-DNA position 1178, G replaced by C.
Protein change: p.Gly393Ala; replaces glycine 393 with alanine.
Molecular consequence: missense variant.
Genome position (GRCh38, 1-based): chr2:191,058,046, C>G on the plus strand (G>C on the coding strand, the complement: STAT4 is on the minus strand). VCF-style: chr2-191058046-C-G. GRCh37 (hg19) VCF-style: chr2-191922772-C-G.
Other names: c.1178G>C (NM_003151.3); c.1178G>C, p.Gly393Ala (NM_001243835.2); short protein forms G393A.
Identifiers: ClinVar variation 1353636 (VCV001353636.13), dbSNP rs199633613, ClinGen allele CA2030663.

ClinVar aggregate classification (germline): Uncertain significance. Review status: criteria provided, multiple submitters, no conflicts (2 of 4 stars). 3 submissions from 3 submitters: Uncertain significance (3). Last evaluated 2026-02-01.

Allele frequency attached by ClinVar (database versions not stated): gnomAD exomes 0.00007 and 0.00010; ESP Exome Variant Server 0.00008; TOPMed 0.00008; gnomAD 0.00009; ExAC 0.00010; 1000 Genomes Project 30x 0.00016; 1000 Genomes Project 0.00020.
gnomAD v4.1: 124 of 1,613,968 alleles (0.0077%); highest among the groups gnomAD compares: Middle Eastern, 0.049%; no homozygotes.

Submissions (3):

Labcorp Genetics (formerly Invitae), Labcorp
Classification: Uncertain significance. Last evaluated: 2026-02-01. Review status: criteria provided, single submitter. Criteria: Invitae Variant Classification Sherloc (09022015). Collection method: clinical testing. Allele origin: germline.
Comment: This sequence change replaces glycine, which is neutral and non-polar, with alanine, which is neutral and non-polar, at codon 393 of the STAT4 protein (p.Gly393Ala). This variant is present in population databases (rs199633613, gnomAD 0.03%). This variant has not been reported in the literature in individuals affected with STAT4-related conditions. ClinVar contains an entry for this variant (Variation ID: 1353636). Invitae Evidence Modeling of protein sequence and biophysical properties (such as structural, functional, and spatial information, amino acid conservation, physicochemical variation, residue mobility, and thermodynamic stability) indicates that this missense variant is expected to disrupt STAT4 protein function with a positive predictive value of 80%. In summary, the available evidence is currently insufficient to determine the role of this variant in disease. Therefore, it has been classified as a Variant of Uncertain Significance.

CeGaT Center for Human Genetics Tuebingen
Classification: Uncertain significance. Last evaluated: 2025-11-01. Review status: criteria provided, single submitter. Criteria: CeGaT Center For Human Genetics Tuebingen Variant Classification Criteria Version 2. Collection method: clinical testing. Allele origin: germline. Affected: yes. Observed: 1 variant allele.

Ambry Genetics
Classification: Uncertain significance. Last evaluated: 2021-09-16. Review status: criteria provided, single submitter. Criteria: Ambry Variant Classification Scheme 2023. Collection method: clinical testing. Allele origin: germline.